The following is an entry in ClinVar:

NM_000059.4(BRCA2):c.7577C>G (p.Ala2526Gly)

Gene: BRCA2 (BRCA2 DNA repair associated; plus strand). Cytogenetic location: 13q13.1.
Variant type: single nucleotide variant.
Coding change: c.7577C>G on transcript NM_000059.4 (MANE Select); coding-DNA position 7577, C replaced by G.
Protein change: p.Ala2526Gly; replaces alanine 2526 with glycine.
Molecular consequence: missense variant.
Genome position (GRCh38, 1-based): chr13:32,356,569, C>G. VCF-style: chr13-32356569-C-G. GRCh37 (hg19) VCF-style: chr13-32930706-C-G.
Other names: c.7481C>G, p.Ala2494Gly (NM_001406719.1); c.7577C>G, p.Ala2526Gly (NM_001406720.1); c.2645C>G, p.Ala882Gly (NM_001406721.1); c.1160C>G, p.Ala387Gly (NM_001406722.1); short protein forms A2494G, A387G, A882G, A2526G.
Identifiers: ClinVar variation 2015370 (VCV002015370.4), dbSNP rs2072698935, ClinGen allele CA387743818.

ClinVar aggregate classification (germline): Uncertain significance (1 of 4 stars; one submission).

Conditions:
Hereditary breast ovarian cancer syndrome. Also called: Hereditary breast and/or ovarian cancer syndrome; Hereditary breast and ovarian cancer syndrome; BRCA1- and BRCA2-Associated Hereditary Breast and Ovarian Cancer; Breast and ovarian cancer; Hereditary breast and ovarian cancer; Hereditary breast and ovarian cancer syndrome (HBOC). Identifiers: Orphanet 145, MedGen C0677776, MeSH D061325, MONDO:0003582. Disease mechanism: loss of function.

Submission:

Labcorp Genetics (formerly Invitae), Labcorp
Classification: Uncertain significance for Hereditary breast ovarian cancer syndrome. Last evaluated: 2022-07-09. Review status: criteria provided, single submitter. Criteria: Invitae Variant Classification Sherloc (09022015). Collection method: clinical testing. Allele origin: germline.
Comment: In summary, the available evidence is currently insufficient to determine the role of this variant in disease. Therefore, it has been classified as a Variant of Uncertain Significance. Advanced modeling of protein sequence and biophysical properties (such as structural, functional, and spatial information, amino acid conservation, physicochemical variation, residue mobility, and thermodynamic stability) performed at Invitae indicates that this missense variant is not expected to disrupt BRCA2 protein function. This variant has not been reported in the literature in individuals affected with BRCA2-related conditions. This variant is not present in population databases (gnomAD no frequency). This sequence change replaces alanine, which is neutral and non-polar, with glycine, which is neutral and non-polar, at codon 2526 of the BRCA2 protein (p.Ala2526Gly).